The following is an entry in ClinVar:

ClinVar aggregate classification (germline): Uncertain significance. Review status: criteria provided, multiple submitters, no conflicts (2 of 4 stars). 2 submissions from 2 submitters: Uncertain significance (2). Last evaluated 2025-05-05.

Conditions:
Inborn genetic diseases. Identifiers: MedGen C0950123, MeSH D030342.
Acute myeloid leukemia (AML). Also called: Acute myeloid leukemia, adult; AML adult; Acute non-lymphocytic leukemia; Acute granulocytic leukemia; Leukemia, acute myelogenous, somatic; Leukemia, acute myeloid, somatic. Identifiers: Orphanet 519, MedGen C0023467, MeSH D015470, MONDO:0018874, OMIM 601626, HP:0004808. Disease mechanism: Constitutively activated FLT3.

Submissions (2):

Ambry Genetics
Classification: Uncertain significance for Inborn genetic diseases. Last evaluated: 2025-05-05. Review status: criteria provided, single submitter. Criteria: Ambry Variant Classification Scheme 2023. Collection method: clinical testing. Allele origin: germline.
Comment: The c.277_278delGCinsAA variant (also known as p.A93K), located in coding exon 1 of the CEBPA gene, results from an in-frame deletion of GC and insertion of AA at nucleotide positions 277 to 278. This results in the substitution of the alanine residue for a lysine residue at codon 93, an amino acid with dissimilar properties. This amino acid position is well conserved in available vertebrate species. In addition, this alteration is predicted to be neutral by in silico analysis (Choi Y et al. PLoS ONE. 2012; 7(10):e46688). Since supporting evidence is limited at this time, the clinical significance of this alteration remains unclear.

Labcorp Genetics (formerly Invitae), Labcorp
Classification: Uncertain significance for Acute myeloid leukemia. Last evaluated: 2024-11-04. Review status: criteria provided, single submitter. Criteria: Invitae Variant Classification Sherloc (09022015). Collection method: clinical testing. Allele origin: germline.
Comment: This sequence change replaces alanine, which is neutral and non-polar, with lysine, which is basic and polar, at codon 93 of the CEBPA protein (p.Ala93Lys). Information on the frequency of this variant in the gnomAD database is not available, as this variant may be reported differently in the database. This variant has not been reported in the literature in individuals affected with CEBPA-related conditions. ClinVar contains an entry for this variant (Variation ID: 239921). An algorithm developed to predict the effect of missense changes on protein structure and function (PolyPhen-2) suggests that this variant is likely to be disruptive. In summary, the available evidence is currently insufficient to determine the role of this variant in disease. Therefore, it has been classified as a Variant of Uncertain Significance.

NM_004364.5(CEBPA):c.277_278delinsAA (p.Ala93Lys)

Gene: CEBPA (CCAAT enhancer binding protein alpha; minus strand). Cytogenetic location: 19q13.11.
Variant type: Indel.
Coding change: c.277_278delinsAA on transcript NM_004364.5 (MANE Select); coding-DNA positions 277 to 278, GC replaced by AA.
Protein change: p.Ala93Lys; replaces alanine 93 with lysine.
Molecular consequence: missense variant. On other transcripts: 5 prime UTR variant (1).
Genome position (GRCh38, 1-based): chr19:33,302,137-33,302,138, GC replaced by TT on the plus strand (GC replaced by AA on the coding strand, the reverse complement: CEBPA is on the minus strand). VCF-style: chr19-33302137-GC-TT. GRCh37 (hg19) VCF-style: chr19-33793043-GC-TT.
Other names: c.-81_-80delinsAA (NM_001285829.2); c.382_383delinsAA, p.Ala128Lys (NM_001287424.2); c.235_236delinsAA, p.Ala79Lys (NM_001287435.2); c.277_278delGCinsAA (NM_004364.4, NM_004364.3); short protein forms A128K, A93K, A79K.
Identifiers: ClinVar variation 239921 (VCV000239921.11), dbSNP rs878854701, ClinGen allele CA10583801.